The following is an entry in ClinVar:

NM_001244008.2(KIF1A):c.5003T>C (p.Ile1668Thr)

Gene: KIF1A (kinesin family member 1A; minus strand). Cytogenetic location: 2q37.3.
Variant type: single nucleotide variant.
Coding change: c.5003T>C on transcript NM_001244008.2 (MANE Select); coding-DNA position 5003, T replaced by C.
Protein change: p.Ile1668Thr; replaces isoleucine 1668 with threonine.
Molecular consequence: missense variant.
Genome position (GRCh38, 1-based): chr2:240,719,792, A>G on the plus strand (T>C on the coding strand, the complement: KIF1A is on the minus strand). VCF-style: chr2-240719792-A-G. GRCh37 (hg19) VCF-style: chr2-241659209-A-G.
Other names: c.4727T>C, p.Ile1576Thr (NM_001320705.2, NM_001379649.1); c.4754T>C, p.Ile1585Thr (NM_001330289.2); c.4802T>C, p.Ile1601Thr (NM_001330290.2, NM_001379648.1); c.5078T>C, p.Ile1693Thr (NM_001379631.1); c.4979T>C, p.Ile1660Thr (NM_001379632.1); c.4976T>C, p.Ile1659Thr (NM_001379633.1, NM_001379645.1); c.4829T>C, p.Ile1610Thr (NM_001379634.1); c.4826T>C, p.Ile1609Thr (NM_001379635.1, NM_001379646.1); and 7 more; short protein forms I1566T, I1567T, I1575T, I1576T, I1584T, I1585T, I1592T, I1601T.
Identifiers: ClinVar variation 2630842 (VCV002630842.1), dbSNP rs2536614532, ClinGen allele CA351299983.

ClinVar aggregate classification (germline): Uncertain significance (1 of 4 stars; one submission).

Conditions:
KIF1A-related disorder. Also called: KIF1A-related disorders; KIF1A-related condition.

Submission:

PreventionGenetics, part of Exact Sciences
Classification: Uncertain significance for KIF1A-related condition. Last evaluated: 2023-09-29. Review status: criteria provided, single submitter. Criteria: ACMG Guidelines, 2015. Collection method: clinical testing. Allele origin: germline.
Comment: The KIF1A c.5003T>C variant is predicted to result in the amino acid substitution p.Ile1668Thr. To our knowledge, this variant has not been reported in the literature or in a large population database, indicating this variant is rare. At this time, the clinical significance of this variant is uncertain due to the absence of conclusive functional and genetic evidence.